The following is an entry in ClinVar:

NM_001369.3(DNAH5):c.4355+1del

Genes: DNAH5 (dynein axonemal heavy chain 5; minus strand), DNAH5-AS1 (DNAH5 antisense RNA 1; plus strand). Cytogenetic location: 5p15.2.
Variant type: Deletion.
Coding change: c.4355+1del on transcript NM_001369.3 (MANE Select); the canonical splice donor site of the intron after coding-DNA position 4355, one base deleted (G; older notation c.4355+1delG).
Molecular consequence: splice donor variant.
Genome position (GRCh38, 1-based): chr5:13,865,667, C deleted on the plus strand (G on the coding strand, the reverse complement: DNAH5 is on the minus strand); the first of 2 consecutive C bases (chr5:13,865,667-13,865,668); deleting either gives the same sequence. VCF-style (leftmost placement, unchanged base first): chr5-13865666-AC-A. GRCh37 (hg19) VCF-style: chr5-13865775-AC-A.
Identifiers: ClinVar variation 2823498 (VCV002823498.3), dbSNP rs1769138467, ClinGen allele CA1073406673.

ClinVar aggregate classification (germline): Pathogenic (1 of 4 stars; one submission).

Conditions:
Primary ciliary dyskinesia. Also called: Ciliary dyskinesia. Identifiers: Orphanet 244, MedGen C0008780, MONDO:0016575, HP:0012265.

Submission:

Labcorp Genetics (formerly Invitae), Labcorp
Classification: Pathogenic for Primary ciliary dyskinesia. Last evaluated: 2022-12-23. Review status: criteria provided, single submitter. Criteria: Invitae Variant Classification Sherloc (09022015). Collection method: clinical testing. Allele origin: germline.
Comment: This variant is also known as c.4355+1del. This sequence change creates a premature translational stop signal (p.Arg1452Asnfs*9) in the DNAH5 gene. It is expected to result in an absent or disrupted protein product. Loss-of-function variants in DNAH5 are known to be pathogenic (PMID: 11788826, 16627867). This variant is not present in population databases (gnomAD no frequency). This variant has not been reported in the literature in individuals affected with DNAH5-related conditions. For these reasons, this variant has been classified as Pathogenic.

Literature cited by the submitters: PubMed 11788826; PubMed 16627867.